The following is an entry in ClinVar:

NM_001130987.2(DYSF):c.757C>T (p.Gln253Ter)

Gene: DYSF (dysferlin; plus strand). Cytogenetic location: 2p13.2.
Variant type: single nucleotide variant.
Coding change: c.757C>T on transcript NM_001130987.2 (MANE Select); coding-DNA position 757, C replaced by T.
Protein change: p.Gln253Ter; replaces glutamine 253 with a stop codon.
Molecular consequence: nonsense.
Genome position (GRCh38, 1-based): chr2:71,513,919, C>T. VCF-style: chr2-71513919-C-T. GRCh37 (hg19) VCF-style: chr2-71741049-C-T.
Other names: NM_001130987.2(DYSF):c.757C>T; p.Gln253Ter; c.664C>T, p.Gln222Ter (NM_001130455.2, NM_001130983.2, NM_001130984.2 and 1 more transcripts); c.661C>T, p.Gln221Ter (NM_001130976.2, NM_001130977.2, NM_001130978.2 and 1 more transcripts); c.754C>T, p.Gln252Ter (NM_001130979.2, NM_001130980.2, NM_001130981.2); c.757C>T, p.Gln253Ter (NM_001130982.2, NM_001130985.2); short protein forms Q221*, Q253*, Q222*, Q252*.
Identifiers: ClinVar variation 290209 (VCV000290209.12), dbSNP rs886044381, ClinGen allele CA10606688.

ClinVar aggregate classification (germline): Pathogenic. Review status: reviewed by expert panel (3 of 4 stars). 5 submissions from 5 submitters: Pathogenic (1). 4 of the submissions do not count toward it. Last evaluated 2025-01-08.

Conditions:
Distal myopathy with anterior tibial onset. Identifiers: Orphanet 178400, MedGen C1847532, MONDO:0011721, OMIM 606768.
Miyoshi muscular dystrophy 1 (MMD1). Identifiers: Orphanet 45448, MedGen C4551973, MONDO:0024545, OMIM 254130.
Autosomal recessive limb-girdle muscular dystrophy type 2B (LGMDR2). Also called: MUSCULAR DYSTROPHY, LIMB-GIRDLE, TYPE 3; Limb-girdle muscular dystrophy, type 2B; Limb-Girdle Muscular Dystrophy Type 2B (LGMD2B); MUSCULAR DYSTROPHY, LIMB-GIRDLE, AUTOSOMAL RECESSIVE 2. Identifiers: Orphanet 268, MedGen C1850889, MONDO:0009676, OMIM 253601.
Neuromuscular disease caused by qualitative or quantitative defects of dysferlin. Also called: Qualitative or quantitative defects of dysferlin; Dysferlinopathy. Identifiers: Orphanet 207073, MedGen C2931687, MONDO:0016145.
Autosomal recessive limb-girdle muscular dystrophy. Identifiers: Orphanet 102015, MedGen C2931907, MONDO:0015152.

Allele frequency attached by ClinVar (database versions not stated): gnomAD exomes below 0.00001.

Submissions (5):

ClinGen Limb Girdle Muscular Dystrophy Variant Curation Expert Panel, ClinGen
Classification: Pathogenic for Autosomal recessive limb-girdle muscular dystrophy. Last evaluated: 2025-01-08. Review status: reviewed by expert panel. Criteria: ClinGen LGMD VCEP ACMG Specifications DYSF V1.0.0. Collection method: curation. Allele origin: germline. Inheritance: Autosomal recessive inheritance.
Comment: The NM_003494.4: c.661C>T p.(Gln221Ter) variant in DYSF, which is also known as NM_001130987.2: c.757C>T p.(Gln253Ter), is a nonsense variant predicted to cause a premature stop codon in biologically relevant exon 6/55, leading to nonsense mediated decay in a gene in which loss of function is an established disease mechanism (PVS1). This variant has been detected in a homozygous state in two patients with LGMD (1.0 pt, ClinVar SCV003309109.1 internal data communication, PMID: 30564623, Jain Foundation Dysferlin Registry internal data communication) (PM3, PP4). This variant is absent from gnomAD v2.1.1 and v3.1.2 (PM2_Supporting). In summary, this variant meets the criteria to be classified as Pathogenic for autosomal recessive limb girdle muscular dystrophy based on the ACMG/AMP criteria applied, as specified by the ClinGen LGMD VCEP (LGMD VCEP specifications version 1.0.0; 01/08/2025): PVS1, PM2_Supporting, PM3, PP4.

Fulgent Genetics
Classification: Likely pathogenic for Autosomal recessive limb-girdle muscular dystrophy type 2B; Miyoshi muscular dystrophy 1; Distal myopathy with anterior tibial onset. Last evaluated: 2024-05-21. Review status: criteria provided, single submitter. Criteria: ACMG Guidelines, 2015. Collection method: clinical testing. Allele origin: germline. Not counted in ClinVar's aggregate classification.

Labcorp Genetics (formerly Invitae), Labcorp
Classification: Pathogenic for Neuromuscular disease caused by qualitative or quantitative defects of dysferlin. Last evaluated: 2024-02-04. Review status: criteria provided, single submitter. Criteria: Invitae Variant Classification Sherloc (09022015). Collection method: clinical testing. Allele origin: germline. Not counted in ClinVar's aggregate classification.
Comment: This sequence change creates a premature translational stop signal (p.Gln221*) in the DYSF gene. It is expected to result in an absent or disrupted protein product. Loss-of-function variants in DYSF are known to be pathogenic (PMID: 17698709, 20301480). This variant is not present in population databases (gnomAD no frequency). This variant has not been reported in the literature in individuals affected with DYSF-related conditions. ClinVar contains an entry for this variant (Variation ID: 290209). Algorithms developed to predict the effect of sequence changes on RNA splicing suggest that this variant may disrupt the consensus splice site. For these reasons, this variant has been classified as Pathogenic.

Revvity Omics, Revvity
Classification: Likely pathogenic. Last evaluated: 2023-09-25. Review status: criteria provided, single submitter. Criteria: ACMG Guidelines, 2015. Collection method: clinical testing. Allele origin: germline. Not counted in ClinVar's aggregate classification.

Eurofins Ntd Llc (ga)
Classification: Pathogenic. Last evaluated: 2016-08-08. Review status: criteria provided, single submitter. Criteria: EGL Classification Definitions 2015. Collection method: clinical testing. Allele origin: germline. Observed: 1 variant allele, 1 homozygote. Not counted in ClinVar's aggregate classification.

Literature cited by the submitters: PubMed 17698709 (cited by Labcorp Genetics (formerly Invitae), Labcorp); PubMed 20301480 (cited by Labcorp Genetics (formerly Invitae), Labcorp).